The following is an entry in ClinVar:

ClinVar aggregate classification (germline): Uncertain significance. Review status: criteria provided, single submitter (1 of 4 stars). 2 submissions from 2 submitters: Uncertain significance (1). 1 of the submissions does not count toward it. Last evaluated 2024-03-21.

Conditions:
Alkaptonuria (AKU). Also called: Alkaptonuric ochronosis; Homogentisic acidura; Alcaptonuria; HOMOGENTISIC ACID OXIDASE DEFICIENCY. Identifiers: Orphanet 56, MedGen C0002066, MONDO:0008753, OMIM 203500.

Allele frequency attached by ClinVar (database versions not stated): gnomAD 0.00001.
gnomAD v4.1: 11 of 1,613,468 alleles (0.00068%); highest among the groups gnomAD compares: Admixed American, 0.0017%; no homozygotes.

Submissions (2):

Fulgent Genetics
Classification: Uncertain significance for Alkaptonuria. Last evaluated: 2024-03-21. Review status: criteria provided, single submitter. Criteria: ACMG Guidelines, 2015. Collection method: clinical testing. Allele origin: germline.

Department Of Human Genetics, Institute Of Clinical And Translational Research, Biomedical Research Center, Slovak Academy Of Sciences
Classification: Pathogenic for Alkaptonuria. Review status: no assertion criteria provided. Collection method: research. Allele origin: germline. Inheritance: Autosomal recessive inheritance. Affected: yes. Observed: 2 variant alleles. Not counted in ClinVar's aggregate classification.
Comment: The variant was originally described in AKU patient in PMID:25681086. It has been submitted to the HGD gene mutation database (DB-ID: AKU_00167).

Literature cited by the submitters: PubMed 25681086 (cited by Department Of Human Genetics, Institute Of Clinical And Translational Research, Biomedical Research Center, Slovak Academy Of Sciences).

NM_000187.4(HGD):c.37G>A (p.Glu13Lys)

Gene: HGD (homogentisate 1,2-dioxygenase; minus strand). Cytogenetic location: 3q13.33.
Variant type: single nucleotide variant.
Coding change: c.37G>A on transcript NM_000187.4 (MANE Select); coding-DNA position 37, G replaced by A.
Protein change: p.Glu13Lys; replaces glutamic acid 13 with lysine.
Molecular consequence: missense variant.
Genome position (GRCh38, 1-based): chr3:120,675,842, C>T on the plus strand (G>A on the coding strand, the complement: HGD is on the minus strand). VCF-style: chr3-120675842-C-T. GRCh37 (hg19) VCF-style: chr3-120394689-C-T.
Other names: short protein forms E13K.
Identifiers: ClinVar variation 2626818 (VCV002626818.2), dbSNP rs1458752246, ClinGen allele CA354082990.